The following is an entry in ClinVar:

ClinVar aggregate classification (germline): Likely benign. Review status: criteria provided, multiple submitters, no conflicts (2 of 4 stars). 3 submissions from 3 submitters: Likely benign (3). Last evaluated 2025-10-07.

Conditions:
Dilated cardiomyopathy 1W (CMD1W). Identifiers: Orphanet 154, MedGen C1969639, MONDO:0012667, OMIM 611407.
Cardiovascular phenotype. Identifiers: MedGen CN230736.

Allele frequency attached by ClinVar (database versions not stated): gnomAD exomes below 0.00001 and 0.00001; TOPMed 0.00001.
gnomAD v4.1: 11 of 1,613,970 alleles (0.00068%); highest among the groups gnomAD compares: South Asian, 0.0011%; no homozygotes.

Submissions (3):

Labcorp Genetics (formerly Invitae), Labcorp
Classification: Likely benign for Dilated cardiomyopathy 1W. Last evaluated: 2025-10-07. Review status: criteria provided, single submitter. Criteria: Invitae Variant Classification Sherloc (09022015). Collection method: clinical testing. Allele origin: germline.

Ambry Genetics
Classification: Likely benign for Cardiovascular phenotype. Last evaluated: 2024-03-13. Review status: criteria provided, single submitter. Criteria: Ambry Variant Classification Scheme 2023. Collection method: clinical testing. Allele origin: germline.

GeneDx
Classification: Likely benign. Last evaluated: 2018-02-20. Review status: criteria provided, single submitter. Criteria: GeneDx Variant Classification (06012015). Collection method: clinical testing. Allele origin: germline. Affected: yes.
Comment: This variant is considered likely benign or benign based on one or more of the following criteria: it is a conservative change, it occurs at a poorly conserved position in the protein, it is predicted to be benign by multiple in silico algorithms, and/or has population frequency not consistent with disease.

NM_014000.3(VCL):c.1800C>T (p.Ser600=)

Gene: VCL (vinculin; plus strand). Cytogenetic location: 10q22.2.
Variant type: single nucleotide variant.
Coding change: c.1800C>T on transcript NM_014000.3 (MANE Select); coding-DNA position 1800, C replaced by T.
Protein change: p.Ser600=; no amino-acid change (serine 600 retained).
Molecular consequence: synonymous variant.
Genome position (GRCh38, 1-based): chr10:74,097,260, C>T. VCF-style: chr10-74097260-C-T. GRCh37 (hg19) VCF-style: chr10-75857018-C-T.
Other names: c.1800C>T, p.Ser600= (NM_003373.4).
Identifiers: ClinVar variation 515652 (VCV000515652.10), dbSNP rs1341597341, ClinGen allele CA470175322.